The following is an entry in ClinVar:

NM_001267550.2(TTN):c.33229A>T (p.Lys11077Ter)

Gene: TTN (titin; minus strand). Cytogenetic location: 2q31.2.
Variant type: single nucleotide variant.
Coding change: c.33229A>T on transcript NM_001267550.2 (MANE Select); coding-DNA position 33229, A replaced by T.
Protein change: p.Lys11077Ter; replaces lysine 11077 with a stop codon.
Molecular consequence: nonsense. On other transcripts: intron variant (3).
Genome position (GRCh38, 1-based): chr2:178,681,394, T>A on the plus strand (A>T on the coding strand, the complement: TTN is on the minus strand). VCF-style: chr2-178681394-T-A. GRCh37 (hg19) VCF-style: chr2-179546121-T-A.
Other names: c.13859-39077A>T (NM_133437.4); c.13658-39077A>T (NM_133432.3); c.32278A>T, p.Lys10760Ter (NM_001256850.1); c.29497A>T, p.Lys9833Ter (NM_133378.4); c.13283-39077A>T (NM_003319.4); short protein forms K10760*, K11077*, K9833*.
Identifiers: ClinVar variation 1701400 (VCV001701400.31), dbSNP rs2154270980, ClinGen allele CA349539369.

ClinVar aggregate classification (germline): Likely pathogenic (1 of 4 stars; one submission).

Submission:

CeGaT Center for Human Genetics Tuebingen
Classification: Likely pathogenic. Last evaluated: 2022-07-01. Review status: criteria provided, single submitter. Criteria: CeGaT Center For Human Genetics Tuebingen Variant Classification Criteria Version 2. Collection method: clinical testing. Allele origin: germline. Affected: yes. Observed: 1 variant allele.
Comment: TTN: PVS1:Strong, PM2